The following is an entry in ClinVar:

NM_000466.3(PEX1):c.2072-1G>A

Gene: PEX1 (peroxisomal biogenesis factor 1; minus strand). Cytogenetic location: 7q21.2.
Variant type: single nucleotide variant.
Coding change: c.2072-1G>A on transcript NM_000466.3 (MANE Select); the canonical splice acceptor site of the intron before coding-DNA position 2072, G replaced by A.
Molecular consequence: splice acceptor variant.
Genome position (GRCh38, 1-based): chr7:92,503,196, C>T on the plus strand (G>A on the coding strand, the complement: PEX1 is on the minus strand). VCF-style: chr7-92503196-C-T. GRCh37 (hg19) VCF-style: chr7-92132510-C-T.
Other names: c.1901-1G>A (NM_001282677.2); c.1448-1G>A (NM_001282678.2).
Identifiers: ClinVar variation 2023292 (VCV002023292.4), dbSNP rs776263154, ClinGen allele CA368182361.

ClinVar aggregate classification (germline): Likely pathogenic (1 of 4 stars; one submission).

Conditions:
Zellweger spectrum disorders (ZS). Also called: Zellweger Spectrum Disorder; Zellweger Spectrum; Zellweger Spectrum Disorder (ZSD); Zellweger syndrome. Identifiers: Orphanet 912, MedGen C0043459, MONDO:0019609.

Submission:

Labcorp Genetics (formerly Invitae), Labcorp
Classification: Likely pathogenic for Zellweger spectrum disorders. Last evaluated: 2025-01-13. Review status: criteria provided, single submitter. Criteria: Invitae Variant Classification Sherloc (09022015). Collection method: clinical testing. Allele origin: germline.
Comment: This sequence change affects an acceptor splice site in intron 12 of the PEX1 gene. It is expected to disrupt RNA splicing. Variants that disrupt the donor or acceptor splice site typically lead to a loss of protein function (PMID: 16199547), and loss-of-function variants in PEX1 are known to be pathogenic (PMID: 21031596, 26387595, 31831025). This variant is not present in population databases (gnomAD no frequency). This variant has not been reported in the literature in individuals affected with PEX1-related conditions. ClinVar contains an entry for this variant (Variation ID: 2023292). Algorithms developed to predict the effect of sequence changes on RNA splicing suggest that this variant may disrupt the consensus splice site. In summary, the currently available evidence indicates that the variant is pathogenic, but additional data are needed to prove that conclusively. Therefore, this variant has been classified as Likely Pathogenic.

Literature cited by the submitters: PubMed 16199547; PubMed 21031596; PubMed 26387595; PubMed 31831025.